The following is an entry in ClinVar:

NM_017617.5(NOTCH1):c.865+16G>A

Gene: NOTCH1 (notch receptor 1; minus strand). Cytogenetic location: 9q34.3.
Variant type: single nucleotide variant.
Coding change: c.865+16G>A on transcript NM_017617.5 (MANE Select); 16 bases into the intron after coding-DNA position 865, G replaced by A.
Molecular consequence: intron variant.
Genome position (GRCh38, 1-based): chr9:136,519,427, C>T on the plus strand (G>A on the coding strand, the complement: NOTCH1 is on the minus strand). VCF-style: chr9-136519427-C-T. GRCh37 (hg19) VCF-style: chr9-139413879-C-T.
Other names: c.865+16G>A (LRG_1122t1).
Identifiers: ClinVar variation 513781 (VCV000513781.5), dbSNP rs199828787, ClinGen allele CA5342018.

ClinVar aggregate classification (germline): Likely benign. Review status: criteria provided, multiple submitters, no conflicts (2 of 4 stars). 2 submissions from 2 submitters: Likely benign (2). Last evaluated 2025-11-22.

Conditions:
Adams-Oliver syndrome 5 (AOS5). Identifiers: Orphanet 974, MedGen C4014970, MONDO:0014459, OMIM 616028.

Allele frequency attached by ClinVar (database versions not stated): gnomAD 0.00004; gnomAD exomes 0.00004 and 0.00006; TOPMed 0.00004; ExAC 0.00005.
gnomAD v4.1: 88 of 1,612,418 alleles (0.0055%); highest among the groups gnomAD compares: East Asian, 0.0067%; no homozygotes.

Submissions (2):

Labcorp Genetics (formerly Invitae), Labcorp
Classification: Likely benign for Adams-Oliver syndrome 5. Last evaluated: 2025-11-22. Review status: criteria provided, single submitter. Criteria: Invitae Variant Classification Sherloc (09022015). Collection method: clinical testing. Allele origin: germline.

GeneDx
Classification: Likely benign. Last evaluated: 2017-12-05. Review status: criteria provided, single submitter. Criteria: GeneDx Variant Classification (06012015). Collection method: clinical testing. Allele origin: germline. Affected: yes.
Comment: This variant is considered likely benign or benign based on one or more of the following criteria: it is a conservative change, it occurs at a poorly conserved position in the protein, it is predicted to be benign by multiple in silico algorithms, and/or has population frequency not consistent with disease.